The following is an entry in ClinVar:

NM_212482.4(FN1):c.7362+4A>C

Genes: ATIC (5-aminoimidazole-4-carboxamide ribonucleotide formyltransferase/IMP cyclohydrolase; plus strand), FN1 (fibronectin 1; minus strand). Cytogenetic location: 2q35.
Variant type: single nucleotide variant.
Coding change: c.7362+4A>C on transcript NM_212482.4 (MANE Select); 4 bases into the intron after coding-DNA position 7362, A replaced by C.
Molecular consequence: intron variant.
Genome position (GRCh38, 1-based): chr2:215,361,965, T>G on the plus strand (A>C on the coding strand, the complement: FN1 is on the minus strand). VCF-style: chr2-215361965-T-G. GRCh37 (hg19) VCF-style: chr2-216226688-T-G.
Other names: c.6459+4A>C (NM_212474.3); c.6651+4A>C (NM_001306132.2); c.6744+4A>C (NM_001365523.2); c.6726+4A>C (NM_001306131.2); c.6819+4A>C (NM_212476.3); c.6729+4A>C (NM_001365524.2); c.6921+4A>C (NM_212478.3); c.7014+4A>C (NM_001365520.2); and 8 more.
Identifiers: ClinVar variation 2758901 (VCV002758901.3), dbSNP rs2469092470, ClinGen allele CA2697550436.
Genomic context (GRCh38, chr2:215,361,965, plus strand): 5'-AAGATACCTGTAGAAAGAGACTGTCTAGTATGAGGGAACACACTTGTGCTGCTAATGCAC[T>G]TACAGTGTTTGTTCTCTGATGGTATCTCTGAGAATACTGGTTGTAGGACTGGCCAGTAGT-3'

ClinVar aggregate classification (germline): Uncertain significance (1 of 4 stars; one submission).

Submission:

Labcorp Genetics (formerly Invitae), Labcorp
Classification: Uncertain significance. Last evaluated: 2024-07-22. Review status: criteria provided, single submitter. Criteria: Invitae Variant Classification Sherloc (09022015). Collection method: clinical testing. Allele origin: germline.
Comment: This sequence change falls in intron 45 of the FN1 gene. It does not directly change the encoded amino acid sequence of the FN1 protein. It affects a nucleotide within the consensus splice site. This variant is not present in population databases (gnomAD no frequency). This variant has not been reported in the literature in individuals affected with FN1-related conditions. Variants that disrupt the consensus splice site are a relatively common cause of aberrant splicing (PMID: 17576681, 9536098). Algorithms developed to predict the effect of sequence changes on RNA splicing suggest that this variant may disrupt the consensus splice site. In summary, the available evidence is currently insufficient to determine the role of this variant in disease. Therefore, it has been classified as a Variant of Uncertain Significance.

Literature cited by the submitters: PubMed 17576681; PubMed 9536098.